The following is an entry in ClinVar:

NM_000465.4(BARD1):c.57G>T (p.Glu19Asp)

Gene: BARD1 (BRCA1 associated RING domain 1; minus strand). Cytogenetic location: 2q35.
Variant type: single nucleotide variant.
Coding change: c.57G>T on transcript NM_000465.4 (MANE Select); coding-DNA position 57, G replaced by T.
Protein change: p.Glu19Asp; replaces glutamic acid 19 with aspartic acid.
Molecular consequence: missense variant. On other transcripts: non-coding transcript variant (3).
Genome position (GRCh38, 1-based): chr2:214,809,513, C>A on the plus strand (G>T on the coding strand, the complement: BARD1 is on the minus strand). VCF-style: chr2-214809513-C-A. GRCh37 (hg19) VCF-style: chr2-215674237-C-A.
Other names: c.57G>T, p.Glu19Asp (NM_001282543.2, NM_001282545.2, NM_001282548.2 and 1 more transcripts); short protein forms E19D.
Identifiers: ClinVar variation 419557 (VCV000419557.20), dbSNP rs730881406, ClinGen allele CA16617461.

ClinVar aggregate classification (germline): Uncertain significance. Review status: criteria provided, multiple submitters, no conflicts (2 of 4 stars). 5 submissions from 5 submitters: Uncertain significance (5). Last evaluated 2026-01-19.

Conditions:
BARD1-related cancer predisposition. Identifiers: MedGen CN377756, MONDO:0700267.
Hereditary cancer-predisposing syndrome. Also called: Hereditary neoplastic syndrome; Tumor predisposition; Neoplastic Syndromes, Hereditary; Hereditary Cancer Syndrome. Identifiers: Orphanet 140162, MedGen C0027672, MeSH D009386, MONDO:0015356.
Familial cancer of breast. Also called: Hereditary breast cancer; BREAST CANCER, FAMILIAL; hereditary breast carcinoma. Identifiers: Orphanet 227535, MedGen C0346153, MONDO:0016419, OMIM 114480. Disease mechanism: loss of function.

gnomAD v4.1: 8 of 1,598,796 alleles (0.0005%); highest among the groups gnomAD compares: Non-Finnish European, 0.00068%; no homozygotes.

Submissions (5):

Labcorp Genetics (formerly Invitae), Labcorp
Classification: Uncertain significance for Familial cancer of breast. Last evaluated: 2026-01-19. Review status: criteria provided, single submitter. Criteria: Invitae Variant Classification Sherloc (09022015). Collection method: clinical testing. Allele origin: germline.
Comment: This sequence change replaces glutamic acid, which is acidic and polar, with aspartic acid, which is acidic and polar, at codon 19 of the BARD1 protein (p.Glu19Asp). This variant is not present in population databases (gnomAD no frequency). This variant has not been reported in the literature in individuals affected with BARD1-related conditions. ClinVar contains an entry for this variant (Variation ID: 419557). An algorithm developed to predict the effect of missense changes on protein structure and function (PolyPhen-2) suggests that this variant is likely to be tolerated. In summary, the available evidence is currently insufficient to determine the role of this variant in disease. Therefore, it has been classified as a Variant of Uncertain Significance.

Color Diagnostics, LLC DBA Color Health
Classification: Uncertain significance for Hereditary cancer-predisposing syndrome. Last evaluated: 2024-07-01. Review status: criteria provided, single submitter. Criteria: ACMG Guidelines, 2015. Collection method: clinical testing. Allele origin: germline.
Comment: This missense variant replaces glutamic acid with aspartic acid at codon 19 of the BARD1 protein. Computational prediction suggests that this variant may not impact protein structure and function. To our knowledge, functional studies have not been reported for this variant. This variant has not been reported in individuals affected with BARD1-related disorders in the literature. This variant has not been identified in the general population by the Genome Aggregation Database (gnomAD). The available evidence is insufficient to determine the role of this variant in disease conclusively. Therefore, this variant is classified as a Variant of Uncertain Significance.

Department of Pathology and Laboratory Medicine, Sinai Health System
Classification: Uncertain significance for BARD1-related cancer predisposition. Last evaluated: 2024-05-31. Review status: criteria provided, single submitter. Criteria: ACMG Guidelines, 2015. Collection method: clinical testing. Allele origin: germline. Affected: no.

Ambry Genetics
Classification: Uncertain significance for Hereditary cancer-predisposing syndrome. Last evaluated: 2024-05-08. Review status: criteria provided, single submitter. Criteria: Ambry Variant Classification Scheme 2023. Collection method: clinical testing. Allele origin: germline.
Comment: The p.E19D variant (also known as c.57G>T), located in coding exon 1 of the BARD1 gene, results from a G to T substitution at nucleotide position 57. The glutamic acid at codon 19 is replaced by aspartic acid, an amino acid with highly similar properties. This variant was reported in 0/60,466 breast cancer cases and in 1/53,461 controls (Dorling et al. N Engl J Med 2021 02;384:428-439). This variant was also reported in a study of 1297 cases of early-onset breast cancer and 1121 controls (Young EL et al. J Med Genet, 2016 Jun;53:366-76). This amino acid position is poorly conserved in available vertebrate species. In addition, this alteration is predicted to be tolerated by in silico analysis. Based on the available evidence, the clinical significance of this variant remains unclear.

GeneDx
Classification: Uncertain significance. Last evaluated: 2018-04-27. Review status: criteria provided, single submitter. Criteria: GeneDx Variant Classification (06012015). Collection method: clinical testing. Allele origin: germline. Affected: yes.
Comment: This variant is denoted BARD1 c.57G>T at the cDNA level, p.Glu19Asp (E19D) at the protein level, and results in the change of a Glutamic Acid to an Aspartic Acid (GAG>GAT). This variant has not, to our knowledge, been published in the literature as pathogenic or benign. BARD1 Glu19Asp was not observed in large population cohorts (Lek 2016). This variant is not located in a known functional domain. In silico analysis, which includes protein predictors and evolutionary conservation, supports that this variant does not alter protein structure/function. Based on currently available evidence, it is unclear whether BARD1 Glu19Asp is a pathogenic or benign variant. We consider it to be a variant of uncertain significance.

Literature cited by the submitters: PubMed 26787654 (cited by Ambry Genetics); PubMed 33471991 (cited by Ambry Genetics).